The following is an entry in ClinVar:

NM_152424.4(AMER1):c.998C>A (p.Ala333Glu)

Gene: AMER1 (APC membrane recruitment protein 1; minus strand). Cytogenetic location: Xq11.2.
Variant type: single nucleotide variant.
Coding change: c.998C>A on transcript NM_152424.4 (MANE Select); coding-DNA position 998, C replaced by A.
Protein change: p.Ala333Glu; replaces alanine 333 with glutamic acid.
Molecular consequence: missense variant.
Genome position (GRCh38, 1-based): chrX:64,192,289, G>T on the plus strand (C>A on the coding strand, the complement: AMER1 is on the minus strand). VCF-style: chrX-64192289-G-T. GRCh37 (hg19) VCF-style: chrX-63412169-G-T.
Other names: short protein forms A333E.
Identifiers: ClinVar variation 2012574 (VCV002012574.4), dbSNP rs2147089270, ClinGen allele CA413308726.

ClinVar aggregate classification (germline): Uncertain significance (1 of 4 stars; one submission).

Submission:

Labcorp Genetics (formerly Invitae), Labcorp
Classification: Uncertain significance. Last evaluated: 2022-07-08. Review status: criteria provided, single submitter. Criteria: Invitae Variant Classification Sherloc (09022015). Collection method: clinical testing. Allele origin: germline.
Comment: In summary, the available evidence is currently insufficient to determine the role of this variant in disease. Therefore, it has been classified as a Variant of Uncertain Significance. Algorithms developed to predict the effect of missense changes on protein structure and function (SIFT, PolyPhen-2, Align-GVGD) all suggest that this variant is likely to be disruptive. This variant has not been reported in the literature in individuals affected with AMER1-related conditions. This sequence change replaces alanine, which is neutral and non-polar, with glutamic acid, which is acidic and polar, at codon 333 of the AMER1 protein (p.Ala333Glu). This variant is not present in population databases (gnomAD no frequency).